The following is an entry in ClinVar:

ClinVar aggregate classification (germline): Likely pathogenic (1 of 4 stars; one submission).

Conditions:
Autosomal recessive nonsyndromic hearing loss 3. Also called: NEUROSENSORY NONSYNDROMIC RECESSIVE DEAFNESS 3. Identifiers: Orphanet 90636, MedGen C1838263, MONDO:0010860, OMIM 600316.

Submission:

ENT and Head and Neck Research Center and Department,  The Five Senses Health Institute, Iran University of Medical Sciences
Classification: Likely pathogenic for Autosomal recessive nonsyndromic hearing loss 3. Last evaluated: 2024-11-02. Review status: criteria provided, single submitter. Criteria: ClinGen HL ACMG Specifications v1. Collection method: clinical testing. Allele origin: germline. Affected: yes.
Comment: PVS1: Null variant (frame-shift) in gene MYO15A, predicted to cause NMD. Loss-of-function is a known mechanism of disease (gene has 448 reported pathogenic LOF variants). The exon affects 1 functional domain: UniProt protein MYO15_HUMAN region of interest 'Disordered'. The exon contains 146 pathogenic variants. The truncated region contains 480 pathogenic variants., PM2: Variant not found in gnomAD genomes

Literature cited by the submitters: DOI 10.1038/s41598-025-99417-7.

NM_016239.4(MYO15A):c.1862del (p.Lys621fs)

Gene: MYO15A (myosin XVA; plus strand). Cytogenetic location: 17p11.2.
Variant type: Deletion.
Coding change: c.1862del on transcript NM_016239.4 (MANE Select); coding-DNA position 1862, one base deleted (A; older notation c.1862delA).
Protein change: p.Lys621fs; shifts the reading frame from lysine 621.
Molecular consequence: frameshift variant.
Genome position (GRCh38, 1-based): chr17:18,120,662, A deleted; the last of 2 consecutive A bases (chr17:18,120,661-18,120,662); deleting either gives the same sequence. VCF-style (leftmost placement, unchanged base first): chr17-18120660-GA-G. GRCh37 (hg19) VCF-style: chr17-18023974-GA-G.
Other names: c.1862delA (NM_016239.4); short protein forms K621fs.
Identifiers: ClinVar variation 3370468 (VCV003370468.1).